The following is an entry in ClinVar:

NM_005762.3(TRIM28):c.2055T>C (p.Asp685=)

Gene: TRIM28 (tripartite motif containing 28; plus strand). Cytogenetic location: 19q13.43.
Variant type: single nucleotide variant.
Coding change: c.2055T>C on transcript NM_005762.3 (MANE Select); coding-DNA position 2055, T replaced by C.
Protein change: p.Asp685=; no amino-acid change (aspartic acid 685 retained).
Molecular consequence: synonymous variant.
Genome position (GRCh38, 1-based): chr19:58,549,809, T>C. VCF-style: chr19-58549809-T-C. GRCh37 (hg19) VCF-style: chr19-59061176-T-C.
Identifiers: ClinVar variation 4085798 (VCV004085798.8).

ClinVar aggregate classification (germline): Likely benign (1 of 4 stars; one submission).

Submission:

CeGaT Center for Human Genetics Tuebingen
Classification: Likely benign. Last evaluated: 2025-08-01. Review status: criteria provided, single submitter. Criteria: CeGaT Center For Human Genetics Tuebingen Variant Classification Criteria Version 2. Collection method: clinical testing. Allele origin: germline. Affected: yes. Observed: 1 variant allele.
Comment: TRIM28: BP4, BP7